The following is an entry in ClinVar:

NM_004714.3(DYRK1B):c.1839G>T (p.Gly613=)

Gene: DYRK1B (dual specificity tyrosine phosphorylation regulated kinase 1B; minus strand). Cytogenetic location: 19q13.2.
Variant type: single nucleotide variant.
Coding change: c.1839G>T on transcript NM_004714.3 (MANE Select); coding-DNA position 1839, G replaced by T.
Protein change: p.Gly613=; no amino-acid change (glycine 613 retained).
Molecular consequence: synonymous variant.
Genome position (GRCh38, 1-based): chr19:39,825,766, C>A on the plus strand (G>T on the coding strand, the complement: DYRK1B is on the minus strand). VCF-style: chr19-39825766-C-A. GRCh37 (hg19) VCF-style: chr19-40316406-C-A.
Other names: c.1719G>T, p.Gly573= (NM_006483.3); c.1755G>T, p.Gly585= (NM_006484.3).
Identifiers: ClinVar variation 3039127 (VCV003039127.3), dbSNP rs772198180, ClinGen allele CA9433907.

ClinVar aggregate classification (germline): Likely benign. Review status: criteria provided, single submitter (1 of 4 stars). 2 submissions from 2 submitters: Likely benign (1). 1 of the submissions does not count toward it. Last evaluated 2026-01-03.

Conditions:
DYRK1B-related disorder. Also called: DYRK1B-related condition.

Allele frequency attached by ClinVar (database versions not stated): TOPMed 0.00006; gnomAD exomes 0.00007; gnomAD 0.00008.

Submissions (2):

Labcorp Genetics (formerly Invitae), Labcorp
Classification: Likely benign. Last evaluated: 2026-01-03. Review status: criteria provided, single submitter. Criteria: Invitae Variant Classification Sherloc (09022015). Collection method: clinical testing. Allele origin: germline.

PreventionGenetics, part of Exact Sciences
Classification: Likely benign for DYRK1B-related condition. Last evaluated: 2019-06-04. Review status: no assertion criteria provided. Collection method: clinical testing. Allele origin: germline. Not counted in ClinVar's aggregate classification.
Comment: This variant is classified as likely benign based on ACMG/AMP sequence variant interpretation guidelines (Richards et al. 2015 PMID: 25741868, with internal and published modifications).